The following is an entry in ClinVar:

ClinVar aggregate classification (germline): Uncertain significance (1 of 4 stars; one submission).

Submission:

Women's Health and Genetics/Laboratory Corporation of America, LabCorp
Classification: Uncertain significance. Last evaluated: 2026-01-20. Review status: criteria provided, single submitter. Criteria: LabCorp Variant Classification Summary - May 2015. Collection method: clinical testing. Allele origin: germline.
Comment: Variant summary: PLOD1 c.1496G>A (p.Arg499Gln) results in a conservative amino acid change in the encoded protein sequence. Algorithms developed to predict the effect of missense changes on protein structure and function are either unavailable or do not agree on the potential impact of this missense change. The variant allele was found at a frequency of 8e-06 in 251196 control chromosomes. The available data on variant occurrences in the general population are insufficient to allow any conclusion about variant significance. To our knowledge, no occurrence of c.1496G>A in individuals affected with PLOD1-related conditions and no experimental evidence demonstrating its impact on protein function have been reported. No submitters have cited clinical-significance assessments for this variant to ClinVar. Based on the evidence outlined above, the variant was classified as uncertain significance.

NM_000302.4(PLOD1):c.1496G>A (p.Arg499Gln)

Gene: PLOD1 (procollagen-lysine,2-oxoglutarate 5-dioxygenase 1; plus strand). Cytogenetic location: 1p36.22.
Variant type: single nucleotide variant.
Coding change: c.1496G>A on transcript NM_000302.4 (MANE Select); coding-DNA position 1496, G replaced by A.
Protein change: p.Arg499Gln; replaces arginine 499 with glutamine.
Molecular consequence: missense variant.
Genome position (GRCh38, 1-based): chr1:11,965,505, G>A. VCF-style: chr1-11965505-G-A. GRCh37 (hg19) VCF-style: chr1-12025562-G-A.
Other names: c.1637G>A, p.Arg546Gln (NM_001316320.2); short protein forms R499Q, R546Q.
Identifiers: ClinVar variation 4689215 (VCV004689215.1).